The following is an entry in ClinVar:

NM_000081.4(LYST):c.9992G>A (p.Arg3331His)

Genes: LYST (lysosomal trafficking regulator; minus strand), LOC126806063 (MED14-independent group 3 enhancer GRCh37_chr1:235871544-235872743; plus strand). Cytogenetic location: 1q42.3.
Variant type: single nucleotide variant.
Coding change: c.9992G>A on transcript NM_000081.4 (MANE Select); coding-DNA position 9992, G replaced by A.
Protein change: p.Arg3331His; replaces arginine 3331 with histidine.
Molecular consequence: missense variant.
Genome position (GRCh38, 1-based): chr1:235,709,242, C>T on the plus strand (G>A on the coding strand, the complement: LYST is on the minus strand). VCF-style: chr1-235709242-C-T. GRCh37 (hg19) VCF-style: chr1-235872542-C-T.
Other names: c.9992G>A, p.Arg3331His (NM_001301365.1); short protein forms R3331H.
Identifiers: ClinVar variation 435787 (VCV000435787.9), dbSNP rs771978663, ClinGen allele CA39595133.
Genomic context (GRCh38, chr1:235,709,242, plus strand): 5'-GACACGTAGTCAGACTCTAGAGCCTGCCGATGGATGAGGATAAAAAGACGAGGATCATTA[C>T]GCGCCCAAGGGGGAAGGTTGACGTGATTAACCCGTTCACCATTCTGACGCACACCAAAAT-3'
Protein context (NP_000072.2, residues 3321-3341): VNHVNLPPWA[Arg3331His]NDPRLFILIH

ClinVar aggregate classification (germline): Uncertain significance. Review status: criteria provided, multiple submitters, no conflicts (2 of 4 stars). 3 submissions from 3 submitters: Uncertain significance (3). Last evaluated 2025-05-25.

Conditions:
Inborn genetic diseases. Identifiers: MedGen C0950123, MeSH D030342.
Chédiak-Higashi syndrome (CHS). Also called: Chediak-Higashi Syndrome. Identifiers: Orphanet 167, MedGen C0007965, MONDO:0008963, OMIM 214500.

Allele frequency attached by ClinVar (database versions not stated): gnomAD exomes below 0.00001 and 0.00001; TOPMed 0.00001; gnomAD 0.00003.
gnomAD v4.1: 10 of 1,613,986 alleles (0.00062%); highest among the groups gnomAD compares: Middle Eastern, 0.016%; no homozygotes.

Submissions (3):

Ambry Genetics
Classification: Uncertain significance for Inborn genetic diseases. Last evaluated: 2025-05-25. Review status: criteria provided, single submitter. Criteria: Ambry Variant Classification Scheme 2023. Collection method: clinical testing. Allele origin: germline.

Labcorp Genetics (formerly Invitae), Labcorp
Classification: Uncertain significance for Chédiak-Higashi syndrome. Last evaluated: 2024-04-02. Review status: criteria provided, single submitter. Criteria: Invitae Variant Classification Sherloc (09022015). Collection method: clinical testing. Allele origin: germline.
Comment: This sequence change replaces arginine, which is basic and polar, with histidine, which is basic and polar, at codon 3331 of the LYST protein (p.Arg3331His). The frequency data for this variant in the population databases is considered unreliable, as metrics indicate poor data quality at this position in the gnomAD database. This variant has not been reported in the literature in individuals affected with LYST-related conditions. ClinVar contains an entry for this variant (Variation ID: 435787). Advanced modeling of protein sequence and biophysical properties (such as structural, functional, and spatial information, amino acid conservation, physicochemical variation, residue mobility, and thermodynamic stability) has been performed at Invitae for this missense variant, however the output from this modeling did not meet the statistical confidence thresholds required to predict the impact of this variant on LYST protein function. In summary, the available evidence is currently insufficient to determine the role of this variant in disease. Therefore, it has been classified as a Variant of Uncertain Significance.

Genetic Services Laboratory, University of Chicago
Classification: Uncertain significance. Last evaluated: 2015-12-22. Review status: criteria provided, single submitter. Criteria: ACMG Guidelines, 2015. Collection method: clinical testing. Allele origin: germline. Affected: no.